The following is an entry in ClinVar:

ClinVar aggregate classification (germline): Conflicting classifications of pathogenicity. Review status: criteria provided, conflicting classifications (1 of 4 stars). 2 submissions from 2 submitters: Uncertain significance (1); Likely benign (1). Last evaluated 2025-07-20.

Conditions:
Multiple endocrine neoplasia, type 2 (MEN2). Identifiers: Orphanet 653, MedGen C4048306, MONDO:0019003. Disease mechanism: gain of function.
Hereditary cancer-predisposing syndrome. Also called: Hereditary neoplastic syndrome; Tumor predisposition; Hereditary Cancer Syndrome; Neoplastic Syndromes, Hereditary. Identifiers: Orphanet 140162, MedGen C0027672, MeSH D009386, MONDO:0015356.

Submissions (2):

Ambry Genetics
Classification: Likely benign for Hereditary cancer-predisposing syndrome. Last evaluated: 2025-07-20. Review status: criteria provided, single submitter. Criteria: Ambry Variant Classification Scheme 2023. Collection method: clinical testing. Allele origin: germline.

Labcorp Genetics (formerly Invitae), Labcorp
Classification: Uncertain significance for Multiple endocrine neoplasia, type 2. Last evaluated: 2022-08-31. Review status: criteria provided, single submitter. Criteria: Invitae Variant Classification Sherloc (09022015). Collection method: clinical testing. Allele origin: germline.
Comment: This variant has not been reported in the literature in individuals affected with RET-related conditions. This variant is not present in population databases (gnomAD no frequency). This sequence change replaces serine, which is neutral and polar, with proline, which is neutral and non-polar, at codon 444 of the RET protein (p.Ser444Pro). In summary, the available evidence is currently insufficient to determine the role of this variant in disease. Therefore, it has been classified as a Variant of Uncertain Significance. Algorithms developed to predict the effect of missense changes on protein structure and function output the following: SIFT: "Tolerated"; PolyPhen-2: "Benign"; Align-GVGD: "Class C0". The proline amino acid residue is found in multiple mammalian species, which suggests that this missense change does not adversely affect protein function.

NM_020975.6(RET):c.1330T>C (p.Ser444Pro)

Gene: RET (ret proto-oncogene; plus strand). Cytogenetic location: 10q11.21.
Variant type: single nucleotide variant.
Coding change: c.1330T>C on transcript NM_020975.6 (MANE Select); coding-DNA position 1330, T replaced by C.
Protein change: p.Ser444Pro; replaces serine 444 with proline.
Molecular consequence: missense variant.
Genome position (GRCh38, 1-based): chr10:43,111,273, T>C. VCF-style: chr10-43111273-T-C. GRCh37 (hg19) VCF-style: chr10-43606721-T-C.
Other names: c.1330T>C, p.Ser444Pro (NM_000323.2, NM_001406743.1, NM_001406744.1 and 6 more transcripts); c.568T>C, p.Ser190Pro (NM_001355216.2); c.1201T>C, p.Ser401Pro (NM_001406761.1, NM_001406762.1, NM_001406764.1 and 1 more transcripts); c.1042T>C, p.Ser348Pro (NM_001406766.1, NM_001406767.1, NM_001406770.1); c.934T>C, p.Ser312Pro (NM_001406769.1, NM_001406772.1); c.892T>C, p.Ser298Pro (NM_001406771.1, NM_001406773.1); c.805T>C, p.Ser269Pro (NM_001406774.1); c.604T>C, p.Ser202Pro (NM_001406775.1, NM_001406776.1, NM_001406777.1 and 1 more transcripts); and 1 more; short protein forms S202P, S269P, S298P, S114P, S312P, S401P, S444P, S190P.
Identifiers: ClinVar variation 1953093 (VCV001953093.6), dbSNP rs2132767932, ClinGen allele CA376549044.